The following is an entry in ClinVar:

ClinVar aggregate classification (germline): Pathogenic (1 of 4 stars; one submission).

Conditions:
Spastic paraplegia. Identifiers: MedGen C0037772, HP:0001258.

Submission:

Labcorp Genetics (formerly Invitae), Labcorp
Classification: Pathogenic for Spastic paraplegia. Last evaluated: 2021-10-12. Review status: criteria provided, single submitter. Criteria: Invitae Variant Classification Sherloc (09022015). Collection method: clinical testing. Allele origin: germline.
Comment: For these reasons, this variant has been classified as Pathogenic. This variant has not been reported in the literature in individuals affected with ZFYVE26-related conditions. This variant is not present in population databases (ExAC no frequency). This sequence change creates a premature translational stop signal (p.Gln1431*) in the ZFYVE26 gene. It is expected to result in an absent or disrupted protein product. Loss-of-function variants in ZFYVE26 are known to be pathogenic (PMID: 18394578, 19805727).

Literature cited by the submitters: PubMed 18394578; PubMed 19805727.

NM_015346.4(ZFYVE26):c.4291C>T (p.Gln1431Ter)

Gene: ZFYVE26 (zinc finger FYVE-type containing 26; minus strand). Cytogenetic location: 14q24.1.
Variant type: single nucleotide variant.
Coding change: c.4291C>T on transcript NM_015346.4 (MANE Select); coding-DNA position 4291, C replaced by T.
Protein change: p.Gln1431Ter; replaces glutamine 1431 with a stop codon.
Molecular consequence: nonsense.
Genome position (GRCh38, 1-based): chr14:67,782,861, G>A on the plus strand (C>T on the coding strand, the complement: ZFYVE26 is on the minus strand). VCF-style: chr14-67782861-G-A. GRCh37 (hg19) VCF-style: chr14-68249578-G-A.
Other names: short protein forms Q1431*.
Identifiers: ClinVar variation 1376110 (VCV001376110.6), dbSNP rs2140222661, ClinGen allele CA390170249.